The following is an entry in ClinVar:

NM_000516.7(GNAS):c.530+10C>T

Gene: GNAS (GNAS complex locus; plus strand). Cytogenetic location: 20q13.32.
Variant type: single nucleotide variant.
Coding change: c.530+10C>T on transcript NM_000516.7 (MANE Select); 10 bases into the intron after coding-DNA position 530, C replaced by T.
Molecular consequence: intron variant.
Genome position (GRCh38, 1-based): chr20:58,905,490, C>T. VCF-style: chr20-58905490-C-T. GRCh37 (hg19) VCF-style: chr20-57480545-C-T.
Other names: c.*436+10C>T (NM_016592.5); c.353+10C>T (NM_001309861.2, NM_001309840.2); c.*391+10C>T (NM_001077490.3); c.2459+10C>T (NM_080425.4); c.533+10C>T (NM_001077488.5); c.488+10C>T (NM_080426.4); c.485+10C>T (NM_001077489.4); c.530+10C>T (NM_000516.5).
Identifiers: ClinVar variation 435343 (VCV000435343.15), dbSNP rs199499878, ClinGen allele CA9927112.
Genomic context (GRCh38, chr20:58,905,490, plus strand): 5'-TGCCTGCTACGAACGCTCCAACGAGTACCAGCTGATTGACTGTGCCCAGTAGTAAGTAAC[C>T]GCCACCCAACCCATCAGCACATAAAACAGACAAAAACAAGAAAACATGAAAACCTGTGAT-3'

ClinVar aggregate classification (germline): Conflicting classifications of pathogenicity. Review status: criteria provided, conflicting classifications (1 of 4 stars). 3 submissions from 3 submitters: Uncertain significance (1); Benign (1). 1 of the submissions does not count toward it. Last evaluated 2025-05-19.

Conditions:
GNAS-related disorder. Identifiers: MedGen CN380105.

Allele frequency attached by ClinVar (database versions not stated): ESP Exome Variant Server 0.00015; gnomAD 0.00015 and 0.00016; gnomAD exomes 0.00016; TOPMed 0.00017.
gnomAD v4.1: 267 of 1,382,730 alleles (0.019%); highest among the groups gnomAD compares: Non-Finnish European, 0.019%; no homozygotes.

Submissions (3):

Labcorp Genetics (formerly Invitae), Labcorp
Classification: Benign. Last evaluated: 2025-05-19. Review status: criteria provided, single submitter. Criteria: Invitae Variant Classification Sherloc (09022015). Collection method: clinical testing. Allele origin: germline.

Genetic Services Laboratory, University of Chicago
Classification: Uncertain significance. Last evaluated: 2015-08-10. Review status: criteria provided, single submitter. Criteria: ACMG Guidelines, 2015. Collection method: clinical testing. Allele origin: germline. Affected: no.

PreventionGenetics, part of Exact Sciences
Classification: Likely benign for GNAS-related condition. Last evaluated: 2020-12-16. Review status: no assertion criteria provided. Collection method: clinical testing. Allele origin: germline. Not counted in ClinVar's aggregate classification.
Comment: This variant is classified as likely benign based on ACMG/AMP sequence variant interpretation guidelines (Richards et al. 2015 PMID: 25741868, with internal and published modifications).